The following is an entry in ClinVar:

ClinVar aggregate classification (germline): Conflicting classifications of pathogenicity. Review status: criteria provided, conflicting classifications (1 of 4 stars). 9 submissions from 9 submitters: Uncertain significance (4); Benign (2); Likely benign (1). 2 of the submissions do not count toward it. Last evaluated 2026-02-01.

Conditions:
ARFGEF2-related disorder. Also called: ARFGEF2-related condition.
Periventricular heterotopia with microcephaly, autosomal recessive (ARPHM). Also called: Periventricular heterotopia with microcephaly; PERIVENTRICULAR NODULAR HETEROTOPIA 2. Identifiers: Orphanet 2149, MedGen C1842563, MONDO:0011966, OMIM 608097.
Intellectual disability. Also called: Intellectual functioning disability; Intellectual developmental disorder; intellectual disabilities. Identifiers: MedGen C3714756, MeSH D008607, MONDO:0001071, HP:0001249.

Allele frequency attached by ClinVar (database versions not stated): 1000 Genomes Project 0.00040; gnomAD 0.00118 and 0.00124; gnomAD exomes 0.00140 and 0.00145; TOPMed 0.00078; ExAC 0.00162; 1000 Genomes Project 30x 0.00031; ESP Exome Variant Server 0.00069.
gnomAD v4.1: 2,207 of 1,614,164 alleles (0.14%); highest among the groups gnomAD compares: Non-Finnish European, 0.14%; 4 homozygotes.

Submissions (11):

Labcorp Genetics (formerly Invitae), Labcorp
Classification: Benign. Last evaluated: 2026-02-01. Review status: criteria provided, single submitter. Criteria: Invitae Variant Classification Sherloc (09022015). Collection method: clinical testing. Allele origin: germline.

Mayo Clinic Laboratories, Mayo Clinic
Classification: Benign. Last evaluated: 2025-01-30. Review status: criteria provided, single submitter. Criteria: ACMG Guidelines, 2015. Collection method: clinical testing. Allele origin: germline. Observed: 1 variant allele.
Comment: BS1, BS2, BP4_moderate

GeneDx
Classification: Likely benign. Last evaluated: 2021-01-05. Review status: criteria provided, single submitter. Criteria: GeneDx Variant Classification Process June 2021. Collection method: clinical testing. Allele origin: germline. Affected: yes.

Athena Diagnostics
Classification: Uncertain significance. Last evaluated: 2018-03-05. Review status: criteria provided, single submitter. Criteria: Athena Diagnostics Criteria. Collection method: clinical testing. Allele origin: germline.

Illumina Laboratory Services, Illumina
Classification: Uncertain significance for Periventricular heterotopia with microcephaly, autosomal recessive. Last evaluated: 2018-01-13. Review status: criteria provided, single submitter. Criteria: ICSL Variant Classification Criteria 13 December 2019. Collection method: clinical testing. Allele origin: germline.

Eurofins Ntd Llc (ga)
Classification: Uncertain significance. Last evaluated: 2017-11-06. Review status: criteria provided, single submitter. Criteria: EGL Classification Definitions 2015. Collection method: clinical testing. Allele origin: germline. Observed: 1 variant allele, 1 heterozygote.

Genetic Services Laboratory, University of Chicago
Classification: Uncertain significance. Last evaluated: 2015-01-09. Review status: criteria provided, single submitter. Criteria: ACMG Guidelines, 2015. Collection method: clinical testing. Allele origin: germline.

PreventionGenetics, part of Exact Sciences
Classification: Likely benign for ARFGEF2-related condition. Last evaluated: 2022-02-10. Review status: no assertion criteria provided. Collection method: clinical testing. Allele origin: germline. Not counted in ClinVar's aggregate classification.
Comment: This variant is classified as likely benign based on ACMG/AMP sequence variant interpretation guidelines (Richards et al. 2015 PMID: 25741868, with internal and published modifications).

Centre de Biologie Pathologie Génétique, Centre Hospitalier Universitaire de Lille
Classification: Uncertain significance for Intellectual disability. Last evaluated: 2019-01-01. Review status: no assertion criteria provided. Collection method: clinical testing. Allele origin: unknown. Affected: yes. Not counted in ClinVar's aggregate classification.

Dr. Peter K. Rogan Lab, Western University
No classification provided (evidence only). Condition: Sarcoma. Review status: no classification provided. Collection method: in vitro. Allele origin: not applicable. Functional consequence: retained intron. Not counted in ClinVar's aggregate classification.

Dr. Peter K. Rogan Lab, Western University
No classification provided (evidence only). Condition: Hepatocellular carcinoma. Review status: no classification provided. Collection method: in vitro. Allele origin: not applicable. Functional consequence: retained intron. Not counted in ClinVar's aggregate classification.

NM_006420.3(ARFGEF2):c.3892G>A (p.Gly1298Ser)

Gene: ARFGEF2 (ARF guanine nucleotide exchange factor 2; plus strand). Cytogenetic location: 20q13.13.
Variant type: single nucleotide variant.
Coding change: c.3892G>A on transcript NM_006420.3 (MANE Select); coding-DNA position 3892, G replaced by A.
Protein change: p.Gly1298Ser; replaces glycine 1298 with serine.
Molecular consequence: missense variant.
Genome position (GRCh38, 1-based): chr20:49,012,058, G>A. VCF-style: chr20-49012058-G-A. GRCh37 (hg19) VCF-style: chr20-47628595-G-A.
Other names: p.Gly1298Ser; short protein forms G1298S.
Identifiers: ClinVar variation 210239 (VCV000210239.31), dbSNP rs139037316, ClinGen allele CA206285.